The following is an entry in ClinVar:

ClinVar aggregate classification (germline): Uncertain significance (1 of 4 stars; one submission).

Conditions:
Familial cold autoinflammatory syndrome 3 (FCAS3). Also called: FAMILIAL ATYPICAL COLD URTICARIA; ANTIBODY DEFICIENCY AND IMMUNE DYSREGULATION, PLCG2-ASSOCIATED. Identifiers: Orphanet 300359, MedGen C3280914, MONDO:0013766, OMIM 614468.

Submission:

Labcorp Genetics (formerly Invitae), Labcorp
Classification: Uncertain significance for Familial cold autoinflammatory syndrome 3. Last evaluated: 2024-09-01. Review status: criteria provided, single submitter. Criteria: Invitae Variant Classification Sherloc (09022015). Collection method: clinical testing. Allele origin: germline.
Comment: This sequence change replaces valine, which is neutral and non-polar, with methionine, which is neutral and non-polar, at codon 188 of the PLCG2 protein (p.Val188Met). This variant is not present in population databases (gnomAD no frequency). This variant has not been reported in the literature in individuals affected with PLCG2-related conditions. An algorithm developed to predict the effect of missense changes on protein structure and function outputs the following: PolyPhen-2: "Benign". The methionine amino acid residue is found in multiple mammalian species, which suggests that this missense change does not adversely affect protein function. In summary, the available evidence is currently insufficient to determine the role of this variant in disease. Therefore, it has been classified as a Variant of Uncertain Significance.

NM_002661.5(PLCG2):c.562G>A (p.Val188Met)

Gene: PLCG2 (phospholipase C gamma 2; plus strand). Cytogenetic location: 16q23.3.
Variant type: single nucleotide variant.
Coding change: c.562G>A on transcript NM_002661.5 (MANE Select); coding-DNA position 562, G replaced by A.
Protein change: p.Val188Met; replaces valine 188 with methionine.
Molecular consequence: missense variant.
Genome position (GRCh38, 1-based): chr16:81,869,296, G>A. VCF-style: chr16-81869296-G-A. GRCh37 (hg19) VCF-style: chr16-81902901-G-A.
Other names: c.562G>A, p.Val188Met (NM_001425749.1, NM_001425750.1, NM_001425751.1); short protein forms V188M.
Identifiers: ClinVar variation 3664184 (VCV003664184.2).
Genomic context (GRCh38, chr16:81,869,296, plus strand): 5'-ACCATCTTGCCCCTGATCAACTTTAAAGTGAGCAGTGCCAAGTTCCTTAAAGATAAGTTT[G>A]TGGTAAGTTTCATGGCTCAGCCTGGGAATTTTATGAATGCGGAGTGACTTAGCCTCTCTC-3'
Protein context (NP_002652.2, residues 178-198): SSAKFLKDKF[Val188Met]EIGAHKDELS